The following is an entry in ClinVar:

ClinVar aggregate classification (germline): Pathogenic. Review status: criteria provided, multiple submitters, no conflicts (2 of 4 stars). 5 submissions from 5 submitters: Pathogenic (5). Last evaluated 2026-02-16.

Conditions:
ATM-related cancer predisposition. Also called: ATM-related cancer susceptibility. Identifiers: MedGen CN377759, MONDO:0700270.
Hereditary cancer-predisposing syndrome. Also called: Hereditary Cancer Syndrome; Neoplastic Syndromes, Hereditary; Tumor predisposition; Hereditary neoplastic syndrome. Identifiers: Orphanet 140162, MedGen C0027672, MeSH D009386, MONDO:0015356.
Familial cancer of breast. Also called: BREAST CANCER, FAMILIAL; Hereditary breast cancer; hereditary breast carcinoma. Identifiers: Orphanet 227535, MedGen C0346153, MONDO:0016419, OMIM 114480. Disease mechanism: loss of function.
Ataxia-telangiectasia syndrome (AT). Also called: Cerebello-oculocutaneous telangiectasia; Immunodeficiency with ataxia telangiectasia; Ataxia-telangiectasia, complementation group E; Ataxia-telangiectasia, complementation group D; AT, COMPLEMENTATION GROUP C; ATAXIA-TELANGIECTASIA, COMPLEMENTATION GROUP A. Identifiers: Orphanet 100, MedGen C0004135, MONDO:0008840, OMIM 208900.

Submissions (5):

Dasa
Classification: Pathogenic for ATM-related cancer predisposition. Last evaluated: 2026-02-16. Review status: criteria provided, single submitter. Criteria: DASA Assertion Criteria. Collection method: clinical testing. Allele origin: germline.
Comment: NM_000051.4(ATM):c.8419G>T (p.Glu2807*) introduces a premature termination codon predicted to result in loss of normal protein function. Loss-of-function is an established mechanism of disease for this gene. The affected residue or protein region has prior evidence supporting clinical relevance. This variant has been reported in individuals with ATM-related cancer predisposition (PMID: 31285527). The variant is present at low frequency in population datasets. Based on the available data, this variant is classified as pathogenic.

Labcorp Genetics (formerly Invitae), Labcorp
Classification: Pathogenic for Ataxia-telangiectasia syndrome. Last evaluated: 2025-04-28. Review status: criteria provided, single submitter. Criteria: Invitae Variant Classification Sherloc (09022015). Collection method: clinical testing. Allele origin: germline.
Comment: This sequence change creates a premature translational stop signal (p.Glu2807*) in the ATM gene. It is expected to result in an absent or disrupted protein product. Loss-of-function variants in ATM are known to be pathogenic (PMID: 23807571, 25614872). This variant is not present in population databases (gnomAD no frequency). This premature translational stop signal has been observed in individual(s) with pancreatic cancer (PMID: 31285527). ClinVar contains an entry for this variant (Variation ID: 545961). Algorithms developed to predict the effect of sequence changes on RNA splicing suggest that this variant may create or strengthen a splice site. For these reasons, this variant has been classified as Pathogenic.

Myriad Genetics, Inc.
Classification: Pathogenic for Familial cancer of breast. Last evaluated: 2024-02-02. Review status: criteria provided, single submitter. Criteria: Myriad Autosomal Dominant, Autosomal Recessive and X-Linked Classification Criteria (2023). Collection method: clinical testing. Allele origin: unknown.
Comment: This variant is considered pathogenic. This variant creates a termination codon and is predicted to result in premature protein truncation.

Ambry Genetics
Classification: Pathogenic for Hereditary cancer-predisposing syndrome. Last evaluated: 2023-04-18. Review status: criteria provided, single submitter. Criteria: Ambry Variant Classification Scheme 2023. Collection method: clinical testing. Allele origin: germline.
Comment: The p.E2807* pathogenic mutation (also known as c.8419G>T), located in coding exon 57 of the ATM gene, results from a G to T substitution at nucleotide position 8419. This changes the amino acid from a glutamic acid to a stop codon within coding exon 57. This variant has been reported in a patient with pancreatic cancer (Hutchings D et al. Mod Pathol, 2019 Dec;32:1806-1813). This variant is considered to be rare based on population cohorts in the Genome Aggregation Database (gnomAD). In addition to the clinical data presented in the literature, this alteration is expected to result in loss of function by premature protein truncation or nonsense-mediated mRNA decay. As such, this alteration is interpreted as a disease-causing mutation.

GeneDx
Classification: Pathogenic. Last evaluated: 2018-03-26. Review status: criteria provided, single submitter. Criteria: GeneDx Variant Classification (06012015). Collection method: clinical testing. Allele origin: germline. Affected: yes.
Comment: This variant is denoted ATM c.8419G>T at the cDNA level and p.Glu2807Ter (E2807X) at the protein level. The substitution creates a nonsense variant, which changes a Glutamic Acid to a premature stop codon (GAG>TAG), and is predicted to cause loss of normal protein function through either protein truncation or nonsense-mediated mRNA decay. Although this variant has not, to our knowledge, been reported in the literature, it is considered pathogenic.

Literature cited by the submitters: PubMed 31285527 (cited by 3 submitters); PubMed 23807571 (cited by Labcorp Genetics (formerly Invitae), Labcorp); PubMed 25614872 (cited by Labcorp Genetics (formerly Invitae), Labcorp).

NM_000051.4(ATM):c.8419G>T (p.Glu2807Ter)

Genes: ATM (ATM serine/threonine kinase; plus strand), C11orf65 (chromosome 11 open reading frame 65; minus strand). Cytogenetic location: 11q22.3.
Variant type: single nucleotide variant.
Coding change: c.8419G>T on transcript NM_000051.4 (MANE Select); coding-DNA position 8419, G replaced by T.
Protein change: p.Glu2807Ter; replaces glutamic acid 2807 with a stop codon.
Molecular consequence: nonsense. On other transcripts: intron variant (2).
Genome position (GRCh38, 1-based): chr11:108,345,743, G>T. VCF-style: chr11-108345743-G-T. GRCh37 (hg19) VCF-style: chr11-108216470-G-T.
Other names: c.8419G>T, p.Glu2807Ter (NM_001351834.2); c.641-36672C>A (NM_001330368.2); c.695-10451C>A (NM_001351110.2); short protein forms E2807*.
Identifiers: ClinVar variation 545961 (VCV000545961.14), dbSNP rs1555137929, ClinGen allele CA382517708.